The following is an entry in ClinVar:

NM_004006.3(DMD):c.649G>T (p.Asp217Tyr)

Gene: DMD (dystrophin; minus strand). Cytogenetic location: Xp21.1.
Variant type: single nucleotide variant.
Coding change: c.649G>T on transcript NM_004006.3 (MANE Select); coding-DNA position 649, G replaced by T.
Protein change: p.Asp217Tyr; replaces aspartic acid 217 with tyrosine.
Molecular consequence: missense variant.
Genome position (GRCh38, 1-based): chrX:32,809,493, C>A on the plus strand (G>T on the coding strand, the complement: DMD is on the minus strand). VCF-style: chrX-32809493-C-A. GRCh37 (hg19) VCF-style: chrX-32827610-C-A.
Other names: c.625G>T, p.Asp209Tyr (NM_000109.4); c.637G>T, p.Asp213Tyr (NM_004009.3); c.280G>T, p.Asp94Tyr (NM_004010.3); short protein forms D217Y, D213Y, D209Y, D94Y.
Identifiers: ClinVar variation 1998638 (VCV001998638.4), dbSNP rs2077187880, ClinGen allele CA412673750.

ClinVar aggregate classification (germline): Uncertain significance (1 of 4 stars; one submission).

Conditions:
Duchenne muscular dystrophy (DMD). Also called: MUSCULAR DYSTROPHY, PSEUDOHYPERTROPHIC PROGRESSIVE, DUCHENNE TYPE; Duchenne Muscular Dystrophy (DMD). Identifiers: Orphanet 98896, MedGen C0013264, MONDO:0010679, OMIM 310200.

Submission:

Labcorp Genetics (formerly Invitae), Labcorp
Classification: Uncertain significance for Duchenne muscular dystrophy. Last evaluated: 2022-05-25. Review status: criteria provided, single submitter. Criteria: Invitae Variant Classification Sherloc (09022015). Collection method: clinical testing. Allele origin: germline.
Comment: In summary, the available evidence is currently insufficient to determine the role of this variant in disease. Therefore, it has been classified as a Variant of Uncertain Significance. Variants that disrupt the consensus splice site are a relatively common cause of aberrant splicing (PMID: 17576681, 9536098). Algorithms developed to predict the effect of sequence changes on RNA splicing suggest that this variant may disrupt the consensus splice site. Algorithms developed to predict the effect of missense changes on protein structure and function (SIFT, PolyPhen-2, Align-GVGD) all suggest that this variant is likely to be disruptive. This variant has not been reported in the literature in individuals affected with DMD-related conditions. This variant is not present in population databases (gnomAD no frequency). This sequence change replaces aspartic acid, which is acidic and polar, with tyrosine, which is neutral and polar, at codon 217 of the DMD protein (p.Asp217Tyr). This variant also falls at the last nucleotide of exon 7, which is part of the consensus splice site for this exon.

Literature cited by the submitters: PubMed 17576681; PubMed 9536098.